The following is an entry in ClinVar:

NM_000243.3(MEFV):c.932C>T (p.Ala311Val)

Gene: MEFV (MEFV innate immunity regulator, pyrin; minus strand). Cytogenetic location: 16p13.3.
Variant type: single nucleotide variant.
Coding change: c.932C>T on transcript NM_000243.3 (MANE Select); coding-DNA position 932, C replaced by T.
Protein change: p.Ala311Val; replaces alanine 311 with valine.
Molecular consequence: missense variant.
Genome position (GRCh38, 1-based): chr16:3,249,759, G>A on the plus strand (C>T on the coding strand, the complement: MEFV is on the minus strand). VCF-style: chr16-3249759-G-A. GRCh37 (hg19) VCF-style: chr16-3299759-G-A.
Other names: c.299C>T, p.Ala100Val (NM_001198536.2); short protein forms A311V, A100V.
Identifiers: ClinVar variation 279848 (VCV000279848.65), dbSNP rs74346519, ClinGen allele CA7860272.

ClinVar aggregate classification (germline): Conflicting classifications of pathogenicity. Review status: criteria provided, conflicting classifications (1 of 4 stars). 6 submissions from 6 submitters: Uncertain significance (1); Likely benign (3). 2 of the submissions do not count toward it. Last evaluated 2026-01-25.

Conditions:
MEFV-related disorder. Also called: MEFV-related disorders; MEFV-related condition.
Familial Mediterranean fever (FMF). Also called: POLYSEROSITIS, FAMILIAL PAROXYSMAL; POLYSEROSITIS, RECURRENT; Periodic peritonitis; Benign paroxysmal peritonitis. Identifiers: Orphanet 342, MedGen C0031069, MONDO:0018088, OMIM 249100. Disease mechanism: gain of function.

Allele frequency attached by ClinVar (database versions not stated): gnomAD 0.00058 and 0.00063; TOPMed 0.00070; 1000 Genomes Project 0.00080; ExAC 0.00023; 1000 Genomes Project 30x 0.00078; ESP Exome Variant Server 0.00054.

Submissions (6):

Labcorp Genetics (formerly Invitae), Labcorp
Classification: Likely benign for Familial Mediterranean fever. Last evaluated: 2026-01-25. Review status: criteria provided, single submitter. Criteria: Invitae Variant Classification Sherloc (09022015). Collection method: clinical testing. Allele origin: germline.

Women's Health and Genetics/Laboratory Corporation of America, LabCorp
Classification: Likely benign. Last evaluated: 2023-02-02. Review status: criteria provided, single submitter. Criteria: LabCorp Variant Classification Summary - May 2015. Collection method: clinical testing. Allele origin: germline.
Comment: Variant summary: MEFV c.932C>T (p.Ala311Val) results in a non-conservative amino acid change in the encoded protein sequence. Four of five in-silico tools predict a benign effect of the variant on protein function. The variant allele was found at a frequency of 0.00017 in 247848 control chromosomes. This frequency is not significantly higher than estimated for a pathogenic variant in MEFV causing Familial Mediterranean Fever (0.00017 vs 0.022), allowing no conclusion about variant significance. c.932C>T has been reported in the literature as a homozygous genotype in cis with a pathogenic allele, NM_000243.3(MEFV):c.2080A>G (p.Met694Val) in individuals affected with Familial Mediterranean Fever (example, Bodur_2020). These report(s) do not provide unequivocal conclusions about association of the variant with Familial Mediterranean Fever, but do provide supportive evidence for a benign role. To our knowledge, no experimental evidence demonstrating an impact on protein function has been reported. Four clinical diagnostic laboratories have submitted clinical-significance assessments for this variant to ClinVar after 2014 without evidence for independent evaluation and a predominant consensus as likely benign (n=3) (VUS, n=1). Based on the evidence outlined above, the variant was classified as likely benign.

GeneDx
Classification: Likely benign. Last evaluated: 2020-09-02. Review status: criteria provided, single submitter. Criteria: GeneDx Variant Classification Process June 2021. Collection method: clinical testing. Allele origin: germline. Affected: yes.
Comment: This variant is associated with the following publications: (PMID: 29178647, 31522233)

Eurofins Ntd Llc (ga)
Classification: Uncertain significance. Last evaluated: 2015-10-01. Review status: criteria provided, single submitter. Criteria: EGL Classification Definitions 2015. Collection method: clinical testing. Allele origin: germline. Observed: 1 variant allele, 1 heterozygote.

PreventionGenetics, part of Exact Sciences
Classification: Likely benign for MEFV-related condition. Last evaluated: 2024-08-27. Review status: no assertion criteria provided. Collection method: clinical testing. Allele origin: germline. Not counted in ClinVar's aggregate classification.
Comment: This variant is classified as likely benign based on ACMG/AMP sequence variant interpretation guidelines (Richards et al. 2015 PMID: 25741868, with internal and published modifications).

Natera, Inc.
Classification: Likely benign for Familial Mediterranean fever. Last evaluated: 2020-02-11. Review status: no assertion criteria provided. Collection method: clinical testing. Allele origin: germline. Not counted in ClinVar's aggregate classification.

Literature cited by the submitters: PubMed 31522233 (cited by Women's Health and Genetics/Laboratory Corporation of America, LabCorp).